The following is an entry in ClinVar:

NM_000274.4(OAT):c.899C>G (p.Pro300Arg)

Gene: OAT (ornithine aminotransferase; minus strand). Cytogenetic location: 10q26.13.
Variant type: single nucleotide variant.
Coding change: c.899C>G on transcript NM_000274.4 (MANE Select); coding-DNA position 899, C replaced by G.
Protein change: p.Pro300Arg; replaces proline 300 with arginine.
Molecular consequence: missense variant.
Genome position (GRCh38, 1-based): chr10:124,402,928, G>C on the plus strand (C>G on the coding strand, the complement: OAT is on the minus strand). VCF-style: chr10-124402928-G-C. GRCh37 (hg19) VCF-style: chr10-126091497-G-C.
Other names: c.485C>G, p.Pro162Arg (NM_001171814.2); c.899C>G, p.Pro300Arg (NM_001322965.2, NM_001322966.2, NM_001322967.2 and 3 more transcripts); c.578C>G, p.Pro193Arg (NM_001322971.2); c.299C>G, p.Pro100Arg (NM_001322974.2); short protein forms P193R, P162R, P300R, P100R.
Identifiers: ClinVar variation 806581 (VCV000806581.47), dbSNP rs759979499, ClinGen allele CA5733403.
Genomic context (GRCh38, chr10:124,402,928, plus strand): 5'-ACTTTAGGGGTATATTTTACAAGAGTAGGAAATGGAAAGAGGGGGAACATGAAACTTACA[G>C]GGTATAAGCCCCCAGAAAGGGCCTTTCCAAGGAGGACTATATCAGGTCTGACATTTTCAT-3'
Protein context (NP_000265.1, residues 290-310): LGKALSGGLY[Pro300Arg]VSAVLCDDDI

ClinVar aggregate classification (germline): Uncertain significance. Review status: criteria provided, multiple submitters, no conflicts (2 of 4 stars). 2 submissions from 2 submitters: Uncertain significance (2). Last evaluated 2025-07-14.

Conditions:
Ornithine aminotransferase deficiency (GACR). Also called: HYPERORNITHINEMIA WITH GYRATE ATROPHY OF CHOROID AND RETINA; OKT DEFICIENCY; OAT DEFICIENCY; Ornithine ketoacid aminotransferase deficiency; Gyrate atrophy; Gyrate atrophy of choroid and retina. Identifiers: Orphanet 414, MedGen C0018425, MONDO:0009796, OMIM 258870.

Allele frequency attached by ClinVar (database versions not stated): gnomAD exomes below 0.00001 and 0.00001; gnomAD 0.00001 and 0.00002; ExAC 0.00002; TOPMed 0.00002.
gnomAD v4.1: 4 of 1,613,598 alleles (0.00025%); highest among the groups gnomAD compares: African/African-American, 0.004%; no homozygotes.

Submissions (2):

Labcorp Genetics (formerly Invitae), Labcorp
Classification: Uncertain significance for Ornithine aminotransferase deficiency. Last evaluated: 2025-07-14. Review status: criteria provided, single submitter. Criteria: Invitae Variant Classification Sherloc (09022015). Collection method: clinical testing. Allele origin: germline.
Comment: This sequence change replaces proline, which is neutral and non-polar, with arginine, which is basic and polar, at codon 300 of the OAT protein (p.Pro300Arg). This variant is present in population databases (rs759979499, gnomAD 0.01%). This missense change has been observed in individuals with clinical features of gyrate atrophy (internal data). ClinVar contains an entry for this variant (Variation ID: 806581). An algorithm developed to predict the effect of missense changes on protein structure and function (PolyPhen-2) suggests that this variant is likely to be disruptive. In summary, the available evidence is currently insufficient to determine the role of this variant in disease. Therefore, it has been classified as a Variant of Uncertain Significance.

CeGaT Center for Human Genetics Tuebingen
Classification: Uncertain significance. Last evaluated: 2018-02-01. Review status: criteria provided, single submitter. Criteria: CeGaT Center For Human Genetics Tuebingen Variant Classification Criteria Version 2. Collection method: clinical testing. Allele origin: germline. Affected: yes. Observed: 1 variant allele.